The following is an entry in ClinVar:

ClinVar aggregate classification (germline): Uncertain significance (1 of 4 stars; one submission).

Conditions:
Desbuquois dysplasia 1 (DBQD1). Also called: MICROMELIC DWARFISM WITH VERTEBRAL AND METAPHYSEAL ABNORMALITIES AND ADVANCED CARPOTARSAL OSSIFICATION; DESBUQUOIS DYSPLASIA 1, KIM VARIANT. Identifiers: Orphanet 1425, MedGen C4012146, MONDO:0009629, OMIM 251450.

Allele frequency attached by ClinVar (database versions not stated): gnomAD exomes below 0.00001; gnomAD 0.00001.
gnomAD v4.1: 7 of 1,614,052 alleles (0.00043%); highest among the groups gnomAD compares: African/African-American, 0.0027%; no homozygotes.

Submission:

Labcorp Genetics (formerly Invitae), Labcorp
Classification: Uncertain significance for Desbuquois dysplasia 1. Last evaluated: 2024-06-17. Review status: criteria provided, single submitter. Criteria: Invitae Variant Classification Sherloc (09022015). Collection method: clinical testing. Allele origin: germline.
Comment: This sequence change replaces glycine, which is neutral and non-polar, with serine, which is neutral and polar, at codon 492 of the XYLT1 protein (p.Gly492Ser). This variant is not present in population databases (gnomAD no frequency). This variant has not been reported in the literature in individuals affected with XYLT1-related conditions. ClinVar contains an entry for this variant (Variation ID: 1378407). Advanced modeling of protein sequence and biophysical properties (such as structural, functional, and spatial information, amino acid conservation, physicochemical variation, residue mobility, and thermodynamic stability) performed at Invitae indicates that this missense variant is expected to disrupt XYLT1 protein function with a positive predictive value of 80%. In summary, the available evidence is currently insufficient to determine the role of this variant in disease. Therefore, it has been classified as a Variant of Uncertain Significance.

NM_022166.4(XYLT1):c.1474G>A (p.Gly492Ser)

Gene: XYLT1 (xylosyltransferase 1; minus strand). Cytogenetic location: 16p12.3.
Variant type: single nucleotide variant.
Coding change: c.1474G>A on transcript NM_022166.4 (MANE Select); coding-DNA position 1474, G replaced by A.
Protein change: p.Gly492Ser; replaces glycine 492 with serine.
Molecular consequence: missense variant.
Genome position (GRCh38, 1-based): chr16:17,141,266, C>T on the plus strand (G>A on the coding strand, the complement: XYLT1 is on the minus strand). VCF-style: chr16-17141266-C-T. GRCh37 (hg19) VCF-style: chr16-17235123-C-T.
Other names: short protein forms G492S.
Identifiers: ClinVar variation 1378407 (VCV001378407.6), dbSNP rs1395692976, ClinGen allele CA394876850.